The following is an entry in ClinVar:

ClinVar aggregate classification (germline): Likely benign (1 of 4 stars; one submission).

Allele frequency attached by ClinVar (database versions not stated): 1000 Genomes Project 0.00240; 1000 Genomes Project 30x 0.00250; ESP Exome Variant Server 0.00474; ExAC 0.00513.
gnomAD v4.1: 8,671 of 1,612,552 alleles (0.54%); highest among the groups gnomAD compares: Middle Eastern, 0.61%; 43 homozygotes.

Submission:

CeGaT Center for Human Genetics Tuebingen
Classification: Likely benign. Last evaluated: 2026-06-01. Review status: criteria provided, single submitter. Criteria: CeGaT Center For Human Genetics Tuebingen Variant Classification Criteria Version 2. Collection method: clinical testing. Allele origin: germline. Affected: yes. Observed: 2 variant alleles.
Comment: TSPEAR: BS2

NM_144991.3(TSPEAR):c.83-33680G>C

Genes: KRTAP10-7 (keratin associated protein 10-7; plus strand), TSPEAR (thrombospondin type laminin G domain and EAR repeats; minus strand). Cytogenetic location: 21q22.3.
Variant type: single nucleotide variant.
Coding change: c.83-33680G>C on transcript NM_144991.3 (MANE Select); 33680 bases into the intron before coding-DNA position 83, G replaced by C.
Molecular consequence: intron variant. On other transcripts: missense variant (1).
Genome position (GRCh38, 1-based): chr21:44,601,685, C>G on the plus strand (G>C on the coding strand, the complement: TSPEAR is on the minus strand). VCF-style: chr21-44601685-C-G. GRCh37 (hg19) VCF-style: chr21-46021600-C-G.
Other names: c.1064C>G, p.Ser355Cys (NM_198689.3); c.-122-33680G>C (NM_001272037.2); short protein forms S355C.
Identifiers: ClinVar variation 2652771 (VCV002652771.24), dbSNP rs138554312, ClinGen allele CA10059741.
Genomic context (GRCh38, chr21:44,601,685, plus strand): 5'-GCCAGGCCAGCTGCTGCCGCCCAGCCTCCTGTGTGTCTCTCCTTTGCCGCCCCGCATGCT[C>G]CCGCCCGGCCTGCTGTGGCCCCACCTCAACCCAGAAGTCCAGCTGCTGAGTGATCTCCTT-3'